The following is an entry in ClinVar:

NM_001165963.4(SCN1A):c.4581+173_4581+176del

Genes: SCN1A (sodium voltage-gated channel alpha subunit 1; minus strand), LOC102724058 (uncharacterized LOC102724058; plus strand). Cytogenetic location: 2q24.3.
Variant type: Deletion.
Coding change: c.4581+173_4581+176del on transcript NM_001165963.4 (MANE Select); bases 173 to 176 of the intron after coding-DNA position 4581, 4 bases deleted (TTAA; older notation c.4581+173_4581+176delTTAA).
Molecular consequence: intron variant.
Genome position (GRCh38, 1-based): chr2:165,995,837-165,995,840, TTAA deleted on the plus strand (TTAA on the coding strand, the reverse complement: SCN1A is on the minus strand); deleting any 4 consecutive bases within chr2:165,995,837-165,995,842 gives the same sequence; the c. name uses the placement nearest the transcript's 3' end. VCF-style (leftmost placement, unchanged base first): chr2-165995836-TTTAA-T. GRCh37 (hg19) VCF-style: chr2-166852346-TTTAA-T.
Other names: c.4548+173_4548+176del (NM_001353949.2, NM_001353950.2, NM_001353951.2 and 2 more transcripts); c.4497+173_4497+176del (NM_001353958.2, NM_001353957.2, NM_001165964.3); c.4581+173_4581+176del (NM_001202435.3, NM_001353948.2); c.4545+173_4545+176del (NM_001353955.2, NM_001353954.2); c.4494+173_4494+176del (NM_001353960.2); c.2139+173_2139+176del (NM_001353961.2).
Identifiers: ClinVar variation 673990 (VCV000673990.1), dbSNP rs138116101, ClinGen allele CA59801585.

ClinVar aggregate classification (germline): Benign (1 of 4 stars; one submission).

Submission:

GeneDx
Classification: Benign. Last evaluated: 2018-06-19. Review status: criteria provided, single submitter. Criteria: GeneDx Variant Classification (06012015). Collection method: clinical testing. Allele origin: germline. Affected: yes.
Comment: This variant is considered likely benign or benign based on one or more of the following criteria: it is a conservative change, it occurs at a poorly conserved position in the protein, it is predicted to be benign by multiple in silico algorithms, and/or has population frequency not consistent with disease.